The following is an entry in ClinVar:

ClinVar aggregate classification (germline): Uncertain significance (1 of 4 stars; one submission).

Submission:

Labcorp Genetics (formerly Invitae), Labcorp
Classification: Uncertain significance. Last evaluated: 2025-04-24. Review status: criteria provided, single submitter. Criteria: Invitae Variant Classification Sherloc (09022015). Collection method: clinical testing. Allele origin: germline.
Comment: This sequence change affects the initiator codon of the MAST1 mRNA. This change may impact translation initiation or efficiency. The next in-frame methionine is located at codon 14. This variant is not present in population databases (gnomAD no frequency). This variant has not been reported in the literature in individuals affected with MAST1-related conditions. Experimental studies and prediction algorithms are not available or were not evaluated, and the functional significance of this variant is currently unknown. In summary, the available evidence is currently insufficient to determine the role of this variant in disease. Therefore, it has been classified as a Variant of Uncertain Significance.

NM_014975.3(MAST1):c.2T>A (p.Met1Lys)

Genes: MAST1 (microtubule associated serine/threonine kinase 1; plus strand), LOC130063671 (ATAC-STARR-seq lymphoblastoid silent region 10178; plus strand). Cytogenetic location: 19p13.13.
Variant type: single nucleotide variant.
Coding change: c.2T>A on transcript NM_014975.3 (MANE Select); coding-DNA position 2, T replaced by A.
Protein change: p.Met1Lys; changes the start codon (methionine 1).
Molecular consequence: missense variant, initiator codon variant.
Genome position (GRCh38, 1-based): chr19:12,838,574, T>A. VCF-style: chr19-12838574-T-A. GRCh37 (hg19) VCF-style: chr19-12949388-T-A.
Other names: short protein forms M1K.
Identifiers: ClinVar variation 4780740 (VCV004780740.1).